The following is an entry in ClinVar:

NM_020207.7(ERCC6L2):c.1304A>G (p.Asn435Ser)

Gene: ERCC6L2 (ERCC excision repair 6 like 2; plus strand). Cytogenetic location: 9q22.32.
Variant type: single nucleotide variant.
Coding change: c.1304A>G on transcript NM_020207.7 (MANE Select); coding-DNA position 1304, A replaced by G.
Protein change: p.Asn435Ser; replaces asparagine 435 with serine.
Molecular consequence: missense variant. On other transcripts: non-coding transcript variant (1).
Genome position (GRCh38, 1-based): chr9:95,922,309, A>G. VCF-style: chr9-95922309-A-G. GRCh37 (hg19) VCF-style: chr9-98684591-A-G.
Other names: c.1304A>G, p.Asn435Ser (NM_001010895.4, NM_001375291.1, NM_001375292.1 and 2 more transcripts); short protein forms N435S.
Identifiers: ClinVar variation 1367501 (VCV001367501.6), dbSNP rs141894834, ClinGen allele CA5139531.

ClinVar aggregate classification (germline): Uncertain significance. Review status: criteria provided, multiple submitters, no conflicts (2 of 4 stars). 2 submissions from 2 submitters: Uncertain significance (2). Last evaluated 2025-09-26.

Conditions:
Inborn genetic diseases. Identifiers: MedGen C0950123, MeSH D030342.

Allele frequency attached by ClinVar (database versions not stated): ESP Exome Variant Server 0.00008; ExAC 0.00003; gnomAD 0.00012; TOPMed 0.00012; 1000 Genomes Project 30x 0.00016; 1000 Genomes Project 0.00020; gnomAD exomes 0.00001 and 0.00003.
gnomAD v4.1: 38 of 1,596,574 alleles (0.0024%); highest among the groups gnomAD compares: African/African-American, 0.044%; no homozygotes.

Submissions (2):

Ambry Genetics
Classification: Uncertain significance for Inborn genetic diseases. Last evaluated: 2025-09-26. Review status: criteria provided, single submitter. Criteria: Ambry Variant Classification Scheme 2023. Collection method: clinical testing. Allele origin: germline.

Labcorp Genetics (formerly Invitae), Labcorp
Classification: Uncertain significance. Last evaluated: 2022-08-19. Review status: criteria provided, single submitter. Criteria: Invitae Variant Classification Sherloc (09022015). Collection method: clinical testing. Allele origin: germline.
Comment: This sequence change replaces asparagine, which is neutral and polar, with serine, which is neutral and polar, at codon 446 of the ERCC6L2 protein (p.Asn446Ser). This variant is present in population databases (rs141894834, gnomAD 0.03%). This variant has not been reported in the literature in individuals affected with ERCC6L2-related conditions. ClinVar contains an entry for this variant (Variation ID: 1367501). Algorithms developed to predict the effect of missense changes on protein structure and function are either unavailable or do not agree on the potential impact of this missense change (SIFT: "Deleterious"; PolyPhen-2: "Not Available"; Align-GVGD: "Class C0"). In summary, the available evidence is currently insufficient to determine the role of this variant in disease. Therefore, it has been classified as a Variant of Uncertain Significance.